The following is an entry in ClinVar:

ClinVar aggregate classification (germline): Uncertain significance. Review status: criteria provided, multiple submitters, no conflicts (2 of 4 stars). 3 submissions from 3 submitters: Uncertain significance (3). Last evaluated 2025-02-10.

Conditions:
SIX5-related disorder. Also called: SIX5-related condition.
Branchiootorenal syndrome 2 (BOR2). Identifiers: Orphanet 107, MedGen C1970479, MONDO:0012575, OMIM 610896.

Allele frequency attached by ClinVar (database versions not stated): TOPMed 0.00003; gnomAD 0.00005; 1000 Genomes Project 30x 0.00016.

Submissions (3):

Labcorp Genetics (formerly Invitae), Labcorp
Classification: Uncertain significance. Last evaluated: 2025-02-10. Review status: criteria provided, single submitter. Criteria: Invitae Variant Classification Sherloc (09022015). Collection method: clinical testing. Allele origin: germline.
Comment: This sequence change replaces alanine, which is neutral and non-polar, with valine, which is neutral and non-polar, at codon 13 of the SIX5 protein (p.Ala13Val). The frequency data for this variant in the population databases is considered unreliable, as metrics indicate poor data quality at this position in the gnomAD database. This variant has not been reported in the literature in individuals affected with SIX5-related conditions. ClinVar contains an entry for this variant (Variation ID: 2197460). Experimental studies and prediction algorithms are not available or were not evaluated, and the functional significance of this variant is currently unknown. In summary, the available evidence is currently insufficient to determine the role of this variant in disease. Therefore, it has been classified as a Variant of Uncertain Significance.

PreventionGenetics, part of Exact Sciences
Classification: Uncertain significance for SIX5-related condition. Last evaluated: 2024-10-31. Review status: criteria provided, single submitter. Criteria: ACMG Guidelines, 2015. Collection method: clinical testing. Allele origin: germline.
Comment: The SIX5 c.38C>T variant is predicted to result in the amino acid substitution p.Ala13Val. To our knowledge, this variant has not been reported in the literature. This variant is reported in 0.022% of alleles in individuals of Latino descent in gnomAD. At this time, the clinical significance of this variant is uncertain due to the absence of conclusive functional and genetic evidence.

Fulgent Genetics
Classification: Uncertain significance for Branchiootorenal syndrome 2. Last evaluated: 2024-02-07. Review status: criteria provided, single submitter. Criteria: ACMG Guidelines, 2015. Collection method: clinical testing. Allele origin: germline.

NM_175875.5(SIX5):c.38C>T (p.Ala13Val)

Genes: DM1-AS (DM1 locus antisense RNA; plus strand), SIX5 (SIX homeobox 5; minus strand), LOC107075317 (origin of replication in DMPK trinucleotide repeat region; plus strand). Cytogenetic location: 19q13.32.
Variant type: single nucleotide variant.
Coding change: c.38C>T on transcript NM_175875.5 (MANE Select); coding-DNA position 38, C replaced by T.
Protein change: p.Ala13Val; replaces alanine 13 with valine.
Molecular consequence: missense variant.
Genome position (GRCh38, 1-based): chr19:45,768,807, G>A on the plus strand (C>T on the coding strand, the complement: SIX5 is on the minus strand). VCF-style: chr19-45768807-G-A. GRCh37 (hg19) VCF-style: chr19-46272065-G-A.
Other names: c.38C>T (NM_175875.4); short protein forms A13V.
Identifiers: ClinVar variation 2197460 (VCV002197460.6), dbSNP rs1405287749, ClinGen allele CA406424872.